The following is an entry in ClinVar:

ClinVar aggregate classification (germline): Uncertain significance (1 of 4 stars; one submission).

gnomAD v4.1: 2 of 1,611,504 alleles (0.00012%); highest among the groups gnomAD compares: Non-Finnish European, 0.00017%; no homozygotes.

Submission:

GeneDx
Classification: Uncertain significance. Last evaluated: 2025-01-07. Review status: criteria provided, single submitter. Criteria: GeneDx Variant Classification Process June 2021. Collection method: clinical testing. Allele origin: germline. Affected: yes.
Comment: Not observed at significant frequency in large population cohorts (gnomAD); In silico analysis supports that this missense variant has a deleterious effect on protein structure/function; Has not been previously published as pathogenic or benign to our knowledge

NM_003036.4(SKI):c.367C>G (p.Leu123Val)

Gene: SKI (SKI proto-oncogene; plus strand). Cytogenetic location: 1p36.33.
Variant type: single nucleotide variant.
Coding change: c.367C>G on transcript NM_003036.4 (MANE Select); coding-DNA position 367, C replaced by G.
Protein change: p.Leu123Val; replaces leucine 123 with valine.
Molecular consequence: missense variant.
Genome position (GRCh38, 1-based): chr1:2,229,133, C>G. VCF-style: chr1-2229133-C-G. GRCh37 (hg19) VCF-style: chr1-2160572-C-G.
Other names: short protein forms L123V.
Identifiers: ClinVar variation 4056062 (VCV004056062.1).